The following is an entry in ClinVar:

NM_001267550.2(TTN):c.21828T>C (p.Cys7276=)

Gene: TTN (titin; minus strand). Cytogenetic location: 2q31.2.
Variant type: single nucleotide variant.
Coding change: c.21828T>C on transcript NM_001267550.2 (MANE Select); coding-DNA position 21828, T replaced by C.
Protein change: p.Cys7276=; no amino-acid change (cysteine 7276 retained).
Molecular consequence: synonymous variant. On other transcripts: intron variant (3).
Genome position (GRCh38, 1-based): chr2:178,723,179, A>G on the plus strand (T>C on the coding strand, the complement: TTN is on the minus strand). VCF-style: chr2-178723179-A-G. GRCh37 (hg19) VCF-style: chr2-179587906-A-G.
Other names: c.20877T>C, p.Cys6959= (NM_001256850.1); c.18096T>C, p.Cys6032= (NM_133378.4); c.13282+14903T>C (NM_003319.4); c.13858+14903T>C (NM_133437.4); c.13657+14903T>C (NM_133432.3).
Identifiers: ClinVar variation 4535199 (VCV004535199.6).

ClinVar aggregate classification (germline): Likely benign (1 of 4 stars; one submission).

Submission:

CeGaT Center for Human Genetics Tuebingen
Classification: Likely benign. Last evaluated: 2025-10-01. Review status: criteria provided, single submitter. Criteria: CeGaT Center For Human Genetics Tuebingen Variant Classification Criteria Version 2. Collection method: clinical testing. Allele origin: germline. Affected: yes. Observed: 1 variant allele.
Comment: TTN: PM2:Supporting, BP4, BP7